The following is an entry in ClinVar:

ClinVar aggregate classification (germline): Uncertain significance (1 of 4 stars; one submission).

Conditions:
Charcot-Marie-Tooth disease type 2A2. Also called: HEREDITARY MOTOR AND SENSORY NEUROPATHY IIA2; HMSN IIA2; Charcot-Marie-Tooth Neuropathy Type 2A2; CHARCOT-MARIE-TOOTH DISEASE, NEURONAL, TYPE 2A2; CHARCOT-MARIE-TOOTH DISEASE, AXONAL, AUTOSOMAL DOMINANT, TYPE 2A2A; CHARCOT-MARIE-TOOTH DISEASE, AXONAL, TYPE 2A2. Identifiers: Orphanet 99947, MedGen C4721887, MONDO:0012231, OMIM 609260.
Neuropathy, hereditary motor and sensory, type 6A (HMSN6A). Also called: NEUROPATHY, HEREDITARY MOTOR AND SENSORY, TYPE VIA, WITH OPTIC ATROPHY; NEUROPATHY, HEREDITARY MOTOR AND SENSORY, TYPE VIA; HMSN VIA; CHARCOT-MARIE-TOOTH DISEASE, TYPE 6A. Identifiers: MedGen CN305336, MONDO:0011002, OMIM 601152.

Submission:

Diagnostics Services (NGS), CSIR - Centre For Cellular And Molecular Biology
Classification: Uncertain significance for Neuropathy, hereditary motor and sensory, type 6A; Charcot-Marie-Tooth disease type 2A2. Last evaluated: 2025-01-17. Review status: criteria provided, single submitter. Criteria: ACMG Guidelines, 2015. Collection method: clinical testing. Allele origin: unknown. Observed: 1 variant allele, 1 heterozygote.
Comment: The c.1508C>G variant is not present in 1000 Genomes, gnomAD, EVS, ExAC, Indian Exome Database or our in-house exome database. This variant has neither been published in literature in individuals affected with MFN2-related conditions nor reported to the HGMD, ClinVar or OMIM databases, in any affected individuals. In-silico pathogenicity prediction programs like Polyphen-2, MutationTaster2, CADD, etc predicted this variant to be likely deleterious however these predictions were not confirmed by published functional studies.

NM_014874.4(MFN2):c.1508C>G (p.Pro503Arg)

Gene: MFN2 (mitofusin 2; plus strand). Cytogenetic location: 1p36.22.
Variant type: single nucleotide variant.
Coding change: c.1508C>G on transcript NM_014874.4 (MANE Select); coding-DNA position 1508, C replaced by G.
Protein change: p.Pro503Arg; replaces proline 503 with arginine.
Molecular consequence: missense variant.
Genome position (GRCh38, 1-based): chr1:12,005,723, C>G. VCF-style: chr1-12005723-C-G. GRCh37 (hg19) VCF-style: chr1-12065780-C-G.
Other names: c.1508C>G, p.Pro503Arg (NM_001127660.2); short protein forms P503R.
Identifiers: ClinVar variation 3767957 (VCV003767957.1).
Genomic context (GRCh38, chr1:12,005,723, plus strand): 5'-GTGCAGGGCTGAGCTGATAAGCTTTTCCTCCATTTCTCTTCCTGACAGATGGCTTGAAAC[C>G]CCTCCTTCCTGTGTCTGTGCGGAGTCAGATAGACATGCTGGTCCCACGCCAGTGCTTCTC-3'
Protein context (NP_055689.1, residues 493-513): MQQDMIDGLK[Pro503Arg]LLPVSVRSQI